The following is an entry in ClinVar:

NM_001376.5(DYNC1H1):c.1878G>T (p.Gln626His)

Gene: DYNC1H1 (dynein cytoplasmic 1 heavy chain 1; plus strand). Cytogenetic location: 14q32.31.
Variant type: single nucleotide variant.
Coding change: c.1878G>T on transcript NM_001376.5 (MANE Select); coding-DNA position 1878, G replaced by T.
Protein change: p.Gln626His; replaces glutamine 626 with histidine.
Molecular consequence: missense variant.
Genome position (GRCh38, 1-based): chr14:101,986,103, G>T. VCF-style: chr14-101986103-G-T. GRCh37 (hg19) VCF-style: chr14-102452440-G-T.
Other names: short protein forms Q626H.
Identifiers: ClinVar variation 4802036 (VCV004802036.1).

ClinVar aggregate classification (germline): Uncertain significance (1 of 4 stars; one submission).

Conditions:
Charcot-Marie-Tooth disease axonal type 2O. Also called: CHARCOT-MARIE-TOOTH NEUROPATHY, AXONAL, TYPE 2O; CHARCOT-MARIE-TOOTH DISEASE, AXONAL, AUTOSOMAL DOMINANT, TYPE 2O; Charcot-Marie-Tooth Neuropathy Type 2O; Charcot-Marie-Tooth disease, axonal, type 20. Identifiers: Orphanet 284232, MedGen C3280220, MONDO:0013644, OMIM 614228.

Submission:

Labcorp Genetics (formerly Invitae), Labcorp
Classification: Uncertain significance for Charcot-Marie-Tooth disease axonal type 2O. Last evaluated: 2025-06-29. Review status: criteria provided, single submitter. Criteria: Invitae Variant Classification Sherloc (09022015). Collection method: clinical testing. Allele origin: germline.
Comment: This sequence change replaces glutamine, which is neutral and polar, with histidine, which is basic and polar, at codon 626 of the DYNC1H1 protein (p.Gln626His). This variant is not present in population databases (gnomAD no frequency). This variant has not been reported in the literature in individuals affected with DYNC1H1-related conditions. Invitae Evidence Modeling of protein sequence and biophysical properties (such as structural, functional, and spatial information, amino acid conservation, physicochemical variation, residue mobility, and thermodynamic stability) has been performed for this missense variant. However, the output from this modeling did not meet the statistical confidence thresholds required to predict the impact of this variant on DYNC1H1 protein function. In summary, the available evidence is currently insufficient to determine the role of this variant in disease. Therefore, it has been classified as a Variant of Uncertain Significance.